The following is an entry in ClinVar:

ClinVar aggregate classification (germline): Pathogenic (1 of 4 stars; one submission).

Submission:

GeneDx
Classification: Pathogenic. Last evaluated: 2025-02-18. Review status: criteria provided, single submitter. Criteria: GeneDx Variant Classification Process June 2021. Collection method: clinical testing. Allele origin: germline. Affected: yes.
Comment: Frameshift variant predicted to result in protein truncation or nonsense mediated decay in a gene for which loss of function is a known mechanism of disease; Not observed at significant frequency in large population cohorts (gnomAD); Has not been previously published as pathogenic or benign to our knowledge

NM_001083962.2(TCF4):c.589del (p.Asp197fs)

Gene: TCF4 (transcription factor 4; minus strand). Cytogenetic location: 18q21.2.
Variant type: Deletion.
Coding change: c.589del on transcript NM_001083962.2 (MANE Select); coding-DNA position 589, one base deleted (G; older notation c.589delG).
Protein change: p.Asp197fs; shifts the reading frame from aspartic acid 197.
Molecular consequence: frameshift variant. On other transcripts: 5 prime UTR variant (1).
Genome position (GRCh38, 1-based): chr18:55,279,617, C deleted on the plus strand (G on the coding strand, the reverse complement: TCF4 is on the minus strand); the first of 3 consecutive C bases (chr18:55,279,617-55,279,619); deleting any one gives the same sequence. VCF-style (leftmost placement, unchanged base first): chr18-55279616-TC-T. GRCh37 (hg19) VCF-style: chr18-52946847-TC-T.
Other names: c.895del, p.Asp299fs (NM_001243226.3); c.517del, p.Asp173fs (NM_001243227.2, NM_001306207.1, NM_001348217.1 and 9 more transcripts); c.607del, p.Asp203fs (NM_001243228.2); c.583del, p.Asp195fs (NM_001243230.2); c.463del, p.Asp155fs (NM_001243231.2, NM_001348211.2); c.376del, p.Asp126fs (NM_001243232.1, NM_001306208.1); c.199del, p.Asp67fs (NM_001243233.2, NM_001330605.3, NM_001348212.2 and 1 more transcripts); c.109del, p.Asp37fs (NM_001243234.2, NM_001243235.2, NM_001243236.2 and 2 more transcripts); and 4 more; short protein forms D126fs, D155fs, D172fs, D173fs, D195fs, D196fs, D197fs, D203fs.
Identifiers: ClinVar variation 4075518 (VCV004075518.1).
Genomic context (GRCh38, chr18:55,279,616, plus strand): 5'-ATGAAGAAGGAGCTAGGGAAAGTGCTGGTTGCTGGTTTGGAGGAAGGATAGCCTGGCGAG[TC>T]CCTATTGTAGTCGGCAGTGCTTGCTGATGGAGCATAGACCTGAGGAGAAAGAACCAACTG-3'